The following is an entry in ClinVar:

ClinVar aggregate classification (germline): Uncertain significance (1 of 4 stars; one submission).

Conditions:
Birt-Hogg-Dube syndrome. Also called: Birt Hogg Dubé syndrome. Identifiers: Orphanet 122, MedGen C0346010, MONDO:0800444.

gnomAD v4.1: 3 of 1,611,084 alleles (0.00019%); highest among the groups gnomAD compares: Non-Finnish European, 0.00025%; no homozygotes.

Submission:

Labcorp Genetics (formerly Invitae), Labcorp
Classification: Uncertain significance for Birt-Hogg-Dube syndrome. Last evaluated: 2025-06-04. Review status: criteria provided, single submitter. Criteria: Invitae Variant Classification Sherloc (09022015). Collection method: clinical testing. Allele origin: germline.
Comment: This sequence change falls in intron 13 of the FLCN gene. It does not directly change the encoded amino acid sequence of the FLCN protein. This variant is not present in population databases (gnomAD no frequency). This variant has not been reported in the literature in individuals affected with FLCN-related conditions. Algorithms developed to predict the effect of sequence changes on RNA splicing suggest that this variant may disrupt the consensus splice site. In summary, the available evidence is currently insufficient to determine the role of this variant in disease. Therefore, it has been classified as a Variant of Uncertain Significance.

NM_144997.7(FLCN):c.1538+19G>A

Gene: FLCN (folliculin; minus strand). Cytogenetic location: 17p11.2.
Variant type: single nucleotide variant.
Coding change: c.1538+19G>A on transcript NM_144997.7 (MANE Select); 19 bases into the intron after coding-DNA position 1538, G replaced by A.
Molecular consequence: intron variant.
Genome position (GRCh38, 1-based): chr17:17,214,966, C>T on the plus strand (G>A on the coding strand, the complement: FLCN is on the minus strand). VCF-style: chr17-17214966-C-T. GRCh37 (hg19) VCF-style: chr17-17118280-C-T.
Other names: c.1538+19G>A (NM_001353231.2, NM_001353230.2); c.1592+19G>A (NM_001353229.2).
Identifiers: ClinVar variation 4767064 (VCV004767064.1).